The following is an entry in ClinVar:

ClinVar aggregate classification (germline): Benign. Review status: criteria provided, multiple submitters, no conflicts (2 of 4 stars). 2 submissions from 2 submitters: Benign (2). Last evaluated 2018-06-18.

Allele frequency attached by ClinVar (database versions not stated): gnomAD exomes 0.70940; 1000 Genomes Project 0.72244; 1000 Genomes Project 30x 0.72767; TOPMed 0.74552; gnomAD 0.75777 and 0.75997.
gnomAD v4.1: 114,182 of 151,134 alleles (76%); highest among the groups gnomAD compares: African/African-American, 88%; 43,616 homozygotes.

Submissions (2):

GeneDx
Classification: Benign. Last evaluated: 2018-06-18. Review status: criteria provided, single submitter. Criteria: GeneDx Variant Classification (06012015). Collection method: clinical testing. Allele origin: germline. Affected: yes.
Comment: This variant is considered likely benign or benign based on one or more of the following criteria: it is a conservative change, it occurs at a poorly conserved position in the protein, it is predicted to be benign by multiple in silico algorithms, and/or has population frequency not consistent with disease.

Breakthrough Genomics
Classification: Benign. Review status: criteria provided, single submitter. Criteria: ACMG Guidelines, 2015. Collection method: not provided. Allele origin: germline. Inheritance: Autosomal dominant inheritance. Affected: yes.

NM_004519.4(KCNQ3):c.-504A>G

Gene: KCNQ3 (potassium voltage-gated channel subfamily Q member 3; minus strand). Cytogenetic location: 8q24.22.
Variant type: single nucleotide variant.
Coding change: c.-504A>G on transcript NM_004519.4 (MANE Select); 504 bases upstream of the start codon, A replaced by G.
Molecular consequence: 5 prime UTR variant.
Genome position (GRCh38, 1-based): chr8:132,481,036, T>C on the plus strand (A>G on the coding strand, the complement: KCNQ3 is on the minus strand). VCF-style: chr8-132481036-T-C. GRCh37 (hg19) VCF-style: chr8-133493283-T-C.
Identifiers: ClinVar variation 683733 (VCV000683733.2), dbSNP rs71512326, ClinGen allele CA12776892.